The following is an entry in ClinVar:

NM_006073.4(TRDN):c.1804+6T>C

Gene: TRDN (triadin; minus strand). Cytogenetic location: 6q22.31.
Variant type: single nucleotide variant.
Coding change: c.1804+6T>C on transcript NM_006073.4 (MANE Select); 6 bases into the intron after coding-DNA position 1804, T replaced by C.
Molecular consequence: intron variant.
Genome position (GRCh38, 1-based): chr6:123,265,312, A>G on the plus strand (T>C on the coding strand, the complement: TRDN is on the minus strand). VCF-style: chr6-123265312-A-G. GRCh37 (hg19) VCF-style: chr6-123586457-A-G.
Identifiers: ClinVar variation 2148851 (VCV002148851.1), dbSNP rs2533536376, ClinGen allele CA2578730518.
Genomic context (GRCh38, chr6:123,265,312, plus strand): 5'-CAAAGAAATTGTGAAATTAAAACAATGAAATAGGACAATTTTAAAATTCTAAAATGGTAC[A>G]CTTACTTGGAGTTGGTTTTGGTTTGTCTAAAAAGGAAAAAAGAAAAAAAAAGAAAATGAG-3'

ClinVar aggregate classification (germline): Uncertain significance (1 of 4 stars; one submission).

Conditions:
Catecholaminergic polymorphic ventricular tachycardia 1. Also called: VENTRICULAR TACHYCARDIA, STRESS-INDUCED POLYMORPHIC 1; RYR2-Related Catecholaminergic Polymorphic Ventricular Tachycardia; VENTRICULAR TACHYCARDIA, CATECHOLAMINERGIC POLYMORPHIC, 1, WITH OR WITHOUT ATRIAL DYSFUNCTION AND/OR DILATED CARDIOMYOPATHY. Identifiers: Orphanet 3286, MedGen C1631597, MONDO:0011484, OMIM 604772.

Allele frequency attached by ClinVar (database versions not stated): gnomAD exomes below 0.00001.
gnomAD v4.1: 2 of 1,416,842 alleles (0.00014%); highest among the groups gnomAD compares: Non-Finnish European, 0.00019%; no homozygotes.

Submission:

Labcorp Genetics (formerly Invitae), Labcorp
Classification: Uncertain significance for Catecholaminergic polymorphic ventricular tachycardia 1. Last evaluated: 2022-03-18. Review status: criteria provided, single submitter. Criteria: Invitae Variant Classification Sherloc (09022015). Collection method: clinical testing. Allele origin: germline.
Comment: This sequence change falls in intron 33 of the TRDN gene. It does not directly change the encoded amino acid sequence of the TRDN protein. It affects a nucleotide within the consensus splice site. This variant is not present in population databases (gnomAD no frequency). This variant has not been reported in the literature in individuals affected with TRDN-related conditions. Variants that disrupt the consensus splice site are a relatively common cause of aberrant splicing (PMID: 17576681, 9536098). Algorithms developed to predict the effect of sequence changes on RNA splicing suggest that this variant is not likely to affect RNA splicing. In summary, the available evidence is currently insufficient to determine the role of this variant in disease. Therefore, it has been classified as a Variant of Uncertain Significance.

Literature cited by the submitters: PubMed 17576681; PubMed 9536098.